The following is an entry in ClinVar:

ClinVar aggregate classification (germline): Likely pathogenic (1 of 4 stars; one submission).

Conditions:
Pyruvate dehydrogenase E3 deficiency (DLDD). Also called: Dihydrolipoamide Dehydrogenase (E3) Deficiency; Lipoamide dehydrogenase deficiency, lactic acidosis due to; Lipoamide dehydrogenase deficiency; DLD DEFICIENCY; E3 DEFICIENCY; Dihydrolipoamide Dehydrogenase Deficiency. Identifiers: Orphanet 2394, Orphanet 765, MedGen C5574660, MONDO:0009529, OMIM 246900.

Submission:

Myriad Genetics, Inc.
Classification: Likely pathogenic for Pyruvate dehydrogenase E3 deficiency. Last evaluated: 2022-04-01. Review status: criteria provided, single submitter. Criteria: Myriad Women's Health Autosomal Recessive and X-Linked Classification Criteria (2021). Collection method: clinical testing. Allele origin: unknown.
Comment: NM_000108.3(DLD):c.1187_1188delAC(H396Pfs*2) is expected to be pathogenic in the context of dihydrolipoamide dehydrogenase deficiency. This variant is predicted to lead to an abnormal or absent protein product due to the creation of a premature termination codon in DLD, a gene where loss-of-function variants are known to be pathogenic. Please note: this variant was assessed in the context of healthy population screening.

NM_000108.5(DLD):c.1187_1188del (p.His396fs)

Gene: DLD (dihydrolipoamide dehydrogenase; plus strand). Cytogenetic location: 7q31.1.
Variant type: Microsatellite.
Coding change: c.1187_1188del on transcript NM_000108.5 (MANE Select); coding-DNA positions 1187 to 1188, 2 bases deleted (AC; older notation c.1187_1188delAC).
Protein change: p.His396fs; shifts the reading frame from histidine 396.
Molecular consequence: frameshift variant.
Genome position (GRCh38, 1-based): chr7:107,917,413-107,917,414, AC deleted; deleting any 2 consecutive bases within chr7:107,917,407-107,917,414 gives the same sequence; the c. name uses the placement nearest the transcript's 3' end. VCF-style (leftmost placement, unchanged base first): chr7-107917406-TAC-T. GRCh37 (hg19) VCF-style: chr7-107557851-TAC-T.
Other names: c.890_891del, p.His297fs (NM_001289750.1); c.1118_1119del, p.His373fs (NM_001289751.1); c.1043_1044del, p.His348fs (NM_001289752.1); short protein forms H297fs, H348fs, H373fs, H396fs.
Identifiers: ClinVar variation 1726989 (VCV001726989.2), dbSNP rs2535602632, ClinGen allele CA2580617077.